The following is an entry in ClinVar:

NM_000390.4(CHM):c.537A>C (p.Glu179Asp)

Gene: CHM (CHM Rab escort protein; minus strand). Cytogenetic location: Xq21.2.
Variant type: single nucleotide variant.
Coding change: c.537A>C on transcript NM_000390.4 (MANE Select); coding-DNA position 537, A replaced by C.
Protein change: p.Glu179Asp; replaces glutamic acid 179 with aspartic acid.
Molecular consequence: missense variant.
Genome position (GRCh38, 1-based): chrX:85,963,830, T>G on the plus strand (A>C on the coding strand, the complement: CHM is on the minus strand). VCF-style: chrX-85963830-T-G. GRCh37 (hg19) VCF-style: chrX-85218835-T-G.
Other names: c.93A>C, p.Glu31Asp (NM_001320959.1, NM_001362517.1, NM_001362518.2 and 1 more transcripts); short protein forms E31D, E179D.
Identifiers: ClinVar variation 3706788 (VCV003706788.2).

ClinVar aggregate classification (germline): Uncertain significance (1 of 4 stars; one submission).

gnomAD v4.1: 2 of 1,211,824 alleles (0.00017%); highest among the groups gnomAD compares: Admixed American, 0.0043%; no homozygotes.

Submission:

Labcorp Genetics (formerly Invitae), Labcorp
Classification: Uncertain significance. Last evaluated: 2024-04-15. Review status: criteria provided, single submitter. Criteria: Invitae Variant Classification Sherloc (09022015). Collection method: clinical testing. Allele origin: germline.
Comment: This sequence change replaces glutamic acid, which is acidic and polar, with aspartic acid, which is acidic and polar, at codon 179 of the CHM protein (p.Glu179Asp). This variant is present in population databases (rs766404520, gnomAD 0.008%), including at least one homozygous and/or hemizygous individual. This variant has not been reported in the literature in individuals affected with CHM-related conditions. An algorithm developed to predict the effect of missense changes on protein structure and function (PolyPhen-2) suggests that this variant is likely to be tolerated. In summary, the available evidence is currently insufficient to determine the role of this variant in disease. Therefore, it has been classified as a Variant of Uncertain Significance.